The following is an entry in ClinVar:

ClinVar aggregate classification (germline): Uncertain significance (1 of 4 stars; one submission).

gnomAD v4.1: 3 of 1,611,374 alleles (0.00019%); highest among the groups gnomAD compares: Non-Finnish European, 0.00025%; no homozygotes.

Submission:

GeneDx
Classification: Uncertain significance. Last evaluated: 2024-08-13. Review status: criteria provided, single submitter. Criteria: GeneDx Variant Classification Process June 2021. Collection method: clinical testing. Allele origin: germline. Affected: yes.
Comment: Not observed at significant frequency in large population cohorts (gnomAD); In silico analysis supports that this missense variant has a deleterious effect on protein structure/function; Has not been previously published as pathogenic or benign to our knowledge

NM_001281740.3(FHOD3):c.4382A>G (p.Asn1461Ser)

Gene: FHOD3 (formin homology 2 domain containing 3; plus strand). Cytogenetic location: 18q12.2.
Variant type: single nucleotide variant.
Coding change: c.4382A>G on transcript NM_001281740.3 (MANE Select); coding-DNA position 4382, A replaced by G.
Protein change: p.Asn1461Ser; replaces asparagine 1461 with serine.
Molecular consequence: missense variant.
Genome position (GRCh38, 1-based): chr18:36,755,268, A>G. VCF-style: chr18-36755268-A-G. GRCh37 (hg19) VCF-style: chr18-34335231-A-G.
Other names: c.3806A>G, p.Asn1269Ser (NM_001281739.3); c.3857A>G, p.Asn1286Ser (NM_025135.5); short protein forms N1269S, N1286S, N1461S.
Identifiers: ClinVar variation 3731133 (VCV003731133.1).